The following is an entry in ClinVar:

ClinVar aggregate classification (germline): Uncertain significance. Review status: criteria provided, multiple submitters, no conflicts (2 of 4 stars). 6 submissions from 5 submitters: Uncertain significance (6). Last evaluated 2025-02-26.

Conditions:
Retinitis pigmentosa 35 (RP35). Identifiers: Orphanet 791, MedGen C1853214, MONDO:0012463, OMIM 610282.
Cone-rod dystrophy 10 (CORD10). Identifiers: Orphanet 1872, MedGen C1846529, MONDO:0012464, OMIM 610283.

Allele frequency attached by ClinVar (database versions not stated): ExAC 0.00005; gnomAD 0.00006; TOPMed 0.00006; ESP Exome Variant Server 0.00008; gnomAD exomes 0.00008 and 0.00015.

Submissions (6):

Labcorp Genetics (formerly Invitae), Labcorp
Classification: Uncertain significance. Last evaluated: 2025-02-26. Review status: criteria provided, single submitter. Criteria: Invitae Variant Classification Sherloc (09022015). Collection method: clinical testing. Allele origin: germline.
Comment: This sequence change replaces threonine, which is neutral and polar, with isoleucine, which is neutral and non-polar, at codon 422 of the SEMA4A protein (p.Thr422Ile). This variant is present in population databases (rs145228550, gnomAD 0.01%). This variant has not been reported in the literature in individuals affected with SEMA4A-related conditions. ClinVar contains an entry for this variant (Variation ID: 806247). Invitae Evidence Modeling of protein sequence and biophysical properties (such as structural, functional, and spatial information, amino acid conservation, physicochemical variation, residue mobility, and thermodynamic stability) indicates that this missense variant is not expected to disrupt SEMA4A protein function with a negative predictive value of 80%. In summary, the available evidence is currently insufficient to determine the role of this variant in disease. Therefore, it has been classified as a Variant of Uncertain Significance.

GeneDx
Classification: Uncertain significance. Last evaluated: 2024-05-09. Review status: criteria provided, single submitter. Criteria: GeneDx Variant Classification Process June 2021. Collection method: clinical testing. Allele origin: germline. Affected: yes.
Comment: Identified as a heterozygous variant in a patient with retinitis pigmentosa in published literature (PMID: 31467752) but additional evidence is not available; In silico analysis indicates that this missense variant does not alter protein structure/function; This variant is associated with the following publications: (PMID: 31467752)

Blueprint Genetics
Classification: Uncertain significance. Last evaluated: 2023-04-17. Review status: criteria provided, single submitter. Criteria: ACMG Guidelines, 2015. Collection method: clinical testing. Allele origin: germline.

Genome-Nilou Lab
Classification: Uncertain significance for Retinitis pigmentosa 35. Last evaluated: 2023-04-11. Review status: criteria provided, single submitter. Criteria: ACMG Guidelines, 2015. Collection method: clinical testing. Allele origin: germline. Affected: no.

Genome-Nilou Lab
Classification: Uncertain significance for Cone-rod dystrophy 10. Last evaluated: 2023-04-11. Review status: criteria provided, single submitter. Criteria: ACMG Guidelines, 2015. Collection method: clinical testing. Allele origin: germline. Affected: no.

CeGaT Center for Human Genetics Tuebingen
Classification: Uncertain significance. Last evaluated: 2016-05-01. Review status: criteria provided, single submitter. Criteria: CeGaT Center For Human Genetics Tuebingen Variant Classification Criteria Version 2. Collection method: clinical testing. Allele origin: germline. Affected: yes. Observed: 1 variant allele.

NM_022367.4(SEMA4A):c.1265C>T (p.Thr422Ile)

Gene: SEMA4A (semaphorin 4A; plus strand). Cytogenetic location: 1q22.
Variant type: single nucleotide variant.
Coding change: c.1265C>T on transcript NM_022367.4 (MANE Select); coding-DNA position 1265, C replaced by T.
Protein change: p.Thr422Ile; replaces threonine 422 with isoleucine.
Molecular consequence: missense variant.
Genome position (GRCh38, 1-based): chr1:156,172,956, C>T. VCF-style: chr1-156172956-C-T. GRCh37 (hg19) VCF-style: chr1-156142747-C-T.
Other names: c.1265C>T, p.Thr422Ile (NM_001193300.2, NM_001193301.2, NM_001370567.1); c.869C>T, p.Thr290Ile (NM_001193302.2); c.968C>T, p.Thr323Ile (NM_001370568.1); c.758C>T, p.Thr253Ile (NM_001370569.1, NM_001370571.1); short protein forms T253I, T290I, T323I, T422I.
Identifiers: ClinVar variation 806247 (VCV000806247.51), dbSNP rs145228550, ClinGen allele CA1155316.
Genomic context (GRCh38, chr1:156,172,956, plus strand): 5'-TGGTGGGGACGCCCCTGCTGGTGAAATCTGGCGTGGAGTATACACGGCTTGCAGTGGAGA[C>T]AGCCCAGGGCCTTGATGGGCACAGCCATCTTGTCATGTACCTGGGAACCAGTGAGTAAAG-3'
Protein context (NP_071762.2, residues 412-432): GVEYTRLAVE[Thr422Ile]AQGLDGHSHL